The following is an entry in ClinVar:

NC_000011.9:g.(?_2797170)_(2798282_?)del

Gene: KCNQ1 (potassium voltage-gated channel subfamily Q member 1; plus strand). Cytogenetic location: 11p15.5.
Variant type: Deletion.
Identifiers: ClinVar variation 1074799 (VCV001074799.8).

ClinVar aggregate classification (germline): Pathogenic (1 of 4 stars; one submission).

Conditions:
Long QT syndrome (LQTS). Identifiers: MedGen C0023976, MeSH D008133, MONDO:0002442. Disease mechanism: loss of function. Inheritance: Various modes of inheritance.

Submission:

Labcorp Genetics (formerly Invitae), Labcorp
Classification: Pathogenic for Long QT syndrome. Last evaluated: 2023-01-15. Review status: criteria provided, single submitter. Criteria: Invitae Variant Classification Sherloc (09022015). Collection method: clinical testing. Allele origin: germline.
Comment: For these reasons, this variant has been classified as Pathogenic. A similar copy number variant has been observed in individuals with long QT syndrome (PMID: 18774102, 25564553). This variant is a gross deletion of the genomic region encompassing exon(s) 13-14 of the KCNQ1 gene. This deletion is out-of-frame, and is expected to create a premature termination codon and result in an absent or disrupted protein product. Loss-of-function variants in KCNQ1 are known to be pathogenic (PMID: 9323054, 19862833).

Literature cited by the submitters: PubMed 18774102; PubMed 25564553; PubMed 9323054; PubMed 19862833.